The following is an entry in ClinVar:

NM_020232.5(PSMG2):c.554G>A (p.Gly185Asp)

Gene: PSMG2 (proteasome assembly chaperone 2; plus strand). Cytogenetic location: 18p11.21.
Variant type: single nucleotide variant.
Coding change: c.554G>A on transcript NM_020232.5 (MANE Select); coding-DNA position 554, G replaced by A.
Protein change: p.Gly185Asp; replaces glycine 185 with aspartic acid.
Molecular consequence: missense variant.
Genome position (GRCh38, 1-based): chr18:12,720,656, G>A. VCF-style: chr18-12720656-G-A. GRCh37 (hg19) VCF-style: chr18-12720655-G-A.
Other names: c.461G>A, p.Gly154Asp (NM_147163.2); short protein forms G154D, G185D.
Identifiers: ClinVar variation 3663110 (VCV003663110.2).

ClinVar aggregate classification (germline): Uncertain significance (1 of 4 stars; one submission).

Submission:

Labcorp Genetics (formerly Invitae), Labcorp
Classification: Uncertain significance. Last evaluated: 2024-09-11. Review status: criteria provided, single submitter. Criteria: Invitae Variant Classification Sherloc (09022015). Collection method: clinical testing. Allele origin: germline.
Comment: This sequence change replaces glycine, which is neutral and non-polar, with aspartic acid, which is acidic and polar, at codon 185 of the PSMG2 protein (p.Gly185Asp). This variant is not present in population databases (gnomAD no frequency). This variant has not been reported in the literature in individuals affected with PSMG2-related conditions. An algorithm developed to predict the effect of missense changes on protein structure and function (PolyPhen-2) suggests that this variant is likely to be disruptive. In summary, the available evidence is currently insufficient to determine the role of this variant in disease. Therefore, it has been classified as a Variant of Uncertain Significance.